The following is an entry in ClinVar:

NM_001148.6(ANK2):c.5725A>G (p.Lys1909Glu)

Genes: ANK2 (ankyrin 2; plus strand), LOC126807136 (MED14-independent group 3 enhancer GRCh37_chr4:114274931-114276130; plus strand). Cytogenetic location: 4q26.
Variant type: single nucleotide variant.
Coding change: c.5725A>G on transcript NM_001148.6 (MANE Select); coding-DNA position 5725, A replaced by G.
Protein change: p.Lys1909Glu; replaces lysine 1909 with glutamic acid.
Molecular consequence: missense variant. On other transcripts: intron variant (68).
Genome position (GRCh38, 1-based): chr4:113,354,343, A>G. VCF-style: chr4-113354343-A-G. GRCh37 (hg19) VCF-style: chr4-114275499-A-G.
Other names: c.5491A>G, p.Lys1831Glu (NM_001386142.1); c.2125A>G, p.Lys709Glu (NM_001386166.1); c.5866A>G, p.Lys1956Glu (NM_001386174.1); c.5842A>G, p.Lys1948Glu (NM_001386175.1); c.4411+4094A>G (NM_001386186.2, NM_001386148.2); c.4213+4094A>G (NM_001354269.3); c.4291+4094A>G (NM_001386187.2); c.4252+4094A>G (NM_001386147.1); and 35 more; short protein forms K1909E, K1956E, K1831E, K1948E, K709E.
Identifiers: ClinVar variation 4051294 (VCV004051294.1).

ClinVar aggregate classification (germline): Uncertain significance (1 of 4 stars; one submission).

Conditions:
Cardiovascular phenotype. Identifiers: MedGen CN230736.

Submission:

Ambry Genetics
Classification: Uncertain significance for Cardiovascular phenotype. Last evaluated: 2025-05-27. Review status: criteria provided, single submitter. Criteria: Ambry Variant Classification Scheme 2023. Collection method: clinical testing. Allele origin: germline.
Comment: The p.K1909E variant (also known as c.5725A>G), located in coding exon 38 of the ANK2 gene, results from an A to G substitution at nucleotide position 5725. The lysine at codon 1909 is replaced by glutamic acid, an amino acid with similar properties. This amino acid position is conserved. In addition, this alteration is predicted to be tolerated by in silico analysis. Based on the available evidence, the clinical significance of this variant remains unclear.